The following is an entry in ClinVar:

NM_024422.6(DSC2):c.775+3_775+6del

Gene: DSC2 (desmocollin 2; minus strand). Cytogenetic location: 18q12.1.
Variant type: Deletion.
Coding change: c.775+3_775+6del on transcript NM_024422.6 (MANE Select); bases 3 to 6 of the intron after coding-DNA position 775, 4 bases deleted (GAGT; older notation c.775+3_775+6delGAGT).
Molecular consequence: splice donor variant.
Genome position (GRCh38, 1-based): chr18:31,087,663-31,087,666, ACTC deleted on the plus strand (GAGT on the coding strand, the reverse complement: DSC2 is on the minus strand); deleting any 4 consecutive bases within chr18:31,087,663-31,087,668 gives the same sequence; the c. name uses the placement nearest the transcript's 3' end. VCF-style (leftmost placement, unchanged base first): chr18-31087662-TACTC-T. GRCh37 (hg19) VCF-style: chr18-28667625-TACTC-T.
Other names: c.775+3_775+6del (NM_004949.5); c.346+3_346+6del (NM_001406506.1, NM_001406507.1).
Identifiers: ClinVar variation 2832951 (VCV002832951.3), dbSNP rs2510952320, ClinGen allele CA2739268625.
Genomic context (GRCh38, chr18:31,087,662, plus strand): 5'-TAGTGAAACTAAATGTATGAATTGAAACACAGTTAATTTGCCATATATTGTTTAAGGAGG[TACTC>T]ACCCACTCTGCAATTTTCAAAAATTGTAAAAGTATAAGTTTCTTCTGTAAAAATTGGGTA-3'

ClinVar aggregate classification (germline): Uncertain significance (1 of 4 stars; one submission).

Conditions:
Arrhythmogenic right ventricular dysplasia 11. Also called: ARRHYTHMOGENIC RIGHT VENTRICULAR DYSPLASIA, FAMILIAL, 11; Arrhythmogenic Right Ventricular Dysplasia/Cardiomyopathy11; Arrhythmogenic right ventricular dysplasia 11 with mild palmoplantar keratoderma and woolly hair. Identifiers: MedGen C1864850, MONDO:0012506, OMIM 610476.

Submission:

Labcorp Genetics (formerly Invitae), Labcorp
Classification: Uncertain significance for Arrhythmogenic right ventricular dysplasia 11. Last evaluated: 2025-06-13. Review status: criteria provided, single submitter. Criteria: Invitae Variant Classification Sherloc (09022015). Collection method: clinical testing. Allele origin: germline.
Comment: This sequence change falls in intron 6 of the DSC2 gene. It does not directly change the encoded amino acid sequence of the DSC2 protein. It affects a nucleotide within the consensus splice site. This variant is not present in population databases (gnomAD no frequency). This variant has not been reported in the literature in individuals affected with DSC2-related conditions. ClinVar contains an entry for this variant (Variation ID: 2832951). Variants that disrupt the consensus splice site are a relatively common cause of aberrant splicing (PMID: 17576681, 9536098). Algorithms developed to predict the effect of sequence changes on RNA splicing suggest that this variant may disrupt the consensus splice site. In summary, the available evidence is currently insufficient to determine the role of this variant in disease. Therefore, it has been classified as a Variant of Uncertain Significance.

Literature cited by the submitters: PubMed 17576681; PubMed 9536098.